The following is an entry in ClinVar:

ClinVar aggregate classification (germline): Uncertain significance (1 of 4 stars; one submission).

Submission:

CeGaT Center for Human Genetics Tuebingen
Classification: Uncertain significance. Last evaluated: 2024-01-01. Review status: criteria provided, single submitter. Criteria: CeGaT Center For Human Genetics Tuebingen Variant Classification Criteria Version 2. Collection method: clinical testing. Allele origin: germline. Affected: yes. Observed: 1 variant allele.
Comment: TANC2: PM2

NM_001394998.1(TANC2):c.5080G>T (p.Ala1694Ser)

Gene: TANC2 (tetratricopeptide repeat, ankyrin repeat and coiled-coil containing 2; plus strand). Cytogenetic location: 17q23.3.
Variant type: single nucleotide variant.
Coding change: c.5080G>T on transcript NM_001394998.1 (MANE Select); coding-DNA position 5080, G replaced by T.
Protein change: p.Ala1694Ser; replaces alanine 1694 with serine.
Molecular consequence: missense variant.
Genome position (GRCh38, 1-based): chr17:63,420,810, G>T. VCF-style: chr17-63420810-G-T. GRCh37 (hg19) VCF-style: chr17-61498171-G-T.
Other names: c.4858G>T, p.Ala1620Ser (NM_001411076.1); c.4828G>T, p.Ala1610Ser (NM_025185.4); short protein forms A1610S, A1620S, A1694S.
Identifiers: ClinVar variation 3027161 (VCV003027161.22), dbSNP rs2510600108, ClinGen allele CA400544128.
Genomic context (GRCh38, chr17:63,420,810, plus strand): 5'-CAGATGCCTCAGCTCCCTGTGGCAGTTCCCCAGCAAGGGCTCAGGCTACAGCCTGCCAAG[G>T]CCCAGATTGTGAGAAGTAACCAGCCCAGCCCAGCCGTCCATTCAAGCACCGTCATCCCCA-3'
Protein context (NP_001381927.1, residues 1684-1704): QQGLRLQPAK[Ala1694Ser]QIVRSNQPSP